The following is an entry in ClinVar:

ClinVar aggregate classification (germline): Conflicting classifications of pathogenicity. Review status: criteria provided, conflicting classifications (1 of 4 stars). 3 submissions from 3 submitters: Uncertain significance (1); Likely benign (1). 1 of the submissions does not count toward it. Last evaluated 2024-05-18.

Conditions:
Charcot-Marie-Tooth disease. Also called: Charcot-Marie-Tooth Neuropathy; Charcot-Marie-Tooth Hereditary Neuropathy. Identifiers: Orphanet 166, MedGen C0007959, MONDO:0015626.
Inborn genetic diseases. Identifiers: MedGen C0950123, MeSH D030342.
Charcot-Marie-Tooth disease axonal type 2O. Also called: Charcot-Marie-Tooth disease, axonal, type 20; CHARCOT-MARIE-TOOTH NEUROPATHY, AXONAL, TYPE 2O; CHARCOT-MARIE-TOOTH DISEASE, AXONAL, AUTOSOMAL DOMINANT, TYPE 2O; Charcot-Marie-Tooth Neuropathy Type 2O. Identifiers: Orphanet 284232, MedGen C3280220, MONDO:0013644, OMIM 614228.

Allele frequency attached by ClinVar (database versions not stated): gnomAD exomes below 0.00001 and 0.00001.
gnomAD v4.1: 7 of 1,612,690 alleles (0.00043%); highest among the groups gnomAD compares: Non-Finnish European, 0.00059%; no homozygotes.

Submissions (3):

Labcorp Genetics (formerly Invitae), Labcorp
Classification: Likely benign for Charcot-Marie-Tooth disease axonal type 2O. Last evaluated: 2024-05-18. Review status: criteria provided, single submitter. Criteria: Invitae Variant Classification Sherloc (09022015). Collection method: clinical testing. Allele origin: germline.

Ambry Genetics
Classification: Uncertain significance for Inborn genetic diseases. Last evaluated: 2017-05-31. Review status: criteria provided, single submitter. Criteria: Ambry Variant Classification Scheme 2023. Collection method: clinical testing. Allele origin: germline.
Comment: The p.H4389R variant (also known as c.13166A>G), located in coding exon 73 of the DYNC1H1 gene, results from an A to G substitution at nucleotide position 13166. The histidine at codon 4389 is replaced by arginine, an amino acid with highly similar properties. This amino acid position is not well conserved in available vertebrate species. In addition, this alteration is predicted to be tolerated by in silico analysis. Since supporting evidence is limited at this time, the clinical significance of this alteration remains unclear.

Genesis Genome Database
Classification: Uncertain significance for Charcot-Marie-Tooth disease. Last evaluated: 2019-08-14. Review status: no assertion criteria provided. Collection method: research. Allele origin: germline. Affected: yes. Not counted in ClinVar's aggregate classification.

NM_001376.5(DYNC1H1):c.13166A>G (p.His4389Arg)

Gene: DYNC1H1 (dynein cytoplasmic 1 heavy chain 1; plus strand). Cytogenetic location: 14q32.31.
Variant type: single nucleotide variant.
Coding change: c.13166A>G on transcript NM_001376.5 (MANE Select); coding-DNA position 13166, A replaced by G.
Protein change: p.His4389Arg; replaces histidine 4389 with arginine.
Molecular consequence: missense variant.
Genome position (GRCh38, 1-based): chr14:102,047,976, A>G. VCF-style: chr14-102047976-A-G. GRCh37 (hg19) VCF-style: chr14-102514313-A-G.
Other names: short protein forms H4389R.
Identifiers: ClinVar variation 694871 (VCV000694871.7), dbSNP rs1206639344, ClinGen allele CA391046562.
Genomic context (GRCh38, chr14:102,047,976, plus strand): 5'-CGTCCGACGGGCGCCCTGCCTGGATGCGGACACTGCACACCACCGCGTCCAACTGGCTGC[A>G]CCTCATCCCCCAGACGCTGAGCCACCTCAAGCGCACCGTGGAGAATATCAAGGTAGCTGG-3'
Protein context (NP_001367.2, residues 4379-4399): TLHTTASNWL[His4389Arg]LIPQTLSHLK